The following is an entry in ClinVar:

ClinVar aggregate classification (germline): Benign/Likely benign. Review status: criteria provided, multiple submitters, no conflicts (2 of 4 stars). 4 submissions from 4 submitters: Benign (1); Likely benign (3). Last evaluated 2026-02-01.

Conditions:
Primary ciliary dyskinesia. Also called: Ciliary dyskinesia. Identifiers: Orphanet 244, MedGen C0008780, MONDO:0016575, HP:0012265.

Allele frequency attached by ClinVar (database versions not stated): ExAC 0.00049; gnomAD exomes 0.00056 and 0.00026; ESP Exome Variant Server 0.00025; TOPMed 0.00031; gnomAD 0.00037 and 0.00039.
gnomAD v4.1: 471 of 1,613,404 alleles (0.029%); highest among the groups gnomAD compares: Middle Eastern, 0.033%; 7 homozygotes.

Submissions (4):

Labcorp Genetics (formerly Invitae), Labcorp
Classification: Benign for Primary ciliary dyskinesia. Last evaluated: 2026-02-01. Review status: criteria provided, single submitter. Criteria: Invitae Variant Classification Sherloc (09022015). Collection method: clinical testing. Allele origin: germline.

CeGaT Center for Human Genetics Tuebingen
Classification: Likely benign. Last evaluated: 2023-05-01. Review status: criteria provided, single submitter. Criteria: CeGaT Center For Human Genetics Tuebingen Variant Classification Criteria Version 2. Collection method: clinical testing. Allele origin: germline. Affected: yes. Observed: 1 variant allele.
Comment: DNAH11: BS2

Ambry Genetics
Classification: Likely benign for Primary ciliary dyskinesia. Last evaluated: 2022-12-14. Review status: criteria provided, single submitter. Criteria: Ambry Variant Classification Scheme 2023. Collection method: clinical testing. Allele origin: germline.

PreventionGenetics, part of Exact Sciences
Classification: Likely benign. Review status: criteria provided, single submitter. Criteria: ACMG Guidelines, 2015. Collection method: clinical testing. Allele origin: germline.

NM_001277115.2(DNAH11):c.5671C>T (p.Pro1891Ser)

Gene: DNAH11 (dynein axonemal heavy chain 11; plus strand). Cytogenetic location: 7p15.3.
Variant type: single nucleotide variant.
Coding change: c.5671C>T on transcript NM_001277115.2 (MANE Select); coding-DNA position 5671, C replaced by T.
Protein change: p.Pro1891Ser; replaces proline 1891 with serine.
Molecular consequence: missense variant.
Genome position (GRCh38, 1-based): chr7:21,687,148, C>T. VCF-style: chr7-21687148-C-T. GRCh37 (hg19) VCF-style: chr7-21726766-C-T.
Other names: short protein forms P1891S.
Identifiers: ClinVar variation 257911 (VCV000257911.43), dbSNP rs201704416, ClinGen allele CA4180512.
Genomic context (GRCh38, chr7:21,687,148, plus strand): 5'-ATTGCTTAAAGGTGTTATATTACCTTAACTCAATCACTTCATCTAACCATGAGTGGGGCT[C>T]CTGCTGGCCCAGCTGGTACCGGGAAAACAGAGACCACCAAAGACCTAGGACGTGCCCTTG-3'
Protein context (NP_001264044.1, residues 1881-1901): QSLHLTMSGA[Pro1891Ser]AGPAGTGKTE